The following is an entry in ClinVar:

NM_014915.3(ANKRD26):c.560T>C (p.Val187Ala)

Gene: ANKRD26 (ankyrin repeat domain 26; minus strand). Cytogenetic location: 10p12.1.
Variant type: single nucleotide variant.
Coding change: c.560T>C on transcript NM_014915.3 (MANE Select); coding-DNA position 560, T replaced by C.
Protein change: p.Val187Ala; replaces valine 187 with alanine.
Molecular consequence: missense variant.
Genome position (GRCh38, 1-based): chr10:27,092,484, A>G on the plus strand (T>C on the coding strand, the complement: ANKRD26 is on the minus strand). VCF-style: chr10-27092484-A-G. GRCh37 (hg19) VCF-style: chr10-27381413-A-G.
Other names: c.560T>C, p.Val187Ala (NM_001256053.2); short protein forms V187A.
Identifiers: ClinVar variation 2892130 (VCV002892130.4), dbSNP rs751754401, ClinGen allele CA204450350.
Genomic context (GRCh38, chr10:27,092,484, plus strand): 5'-GCATTTACATTTGCTTTTTTCTTTATTAAAAATTCCACCATTTGCTGCTTTTTTCCACTT[A>G]CTGCAAGTAAAAGTGGTGTGAGGTCATCCTGTAAGACAGCAAAAACAAGTTAAAATGCAT-3'
Protein context (NP_055730.2, residues 177-197): KDDLTPLLLA[Val187Ala]SGKKQQMVEF

ClinVar aggregate classification (germline): Uncertain significance. Review status: criteria provided, multiple submitters, no conflicts (2 of 4 stars). 2 submissions from 2 submitters: Uncertain significance (2). Last evaluated 2025-02-15.

Conditions:
Inborn genetic diseases. Identifiers: MedGen C0950123, MeSH D030342.

Allele frequency attached by ClinVar (database versions not stated): gnomAD 0.00001; TOPMed 0.00001; gnomAD exomes 0.00002.
gnomAD v4.1: 28 of 1,613,452 alleles (0.0017%); highest among the groups gnomAD compares: Non-Finnish European, 0.0023%; no homozygotes.

Submissions (2):

Ambry Genetics
Classification: Uncertain significance for Inborn genetic diseases. Last evaluated: 2025-02-15. Review status: criteria provided, single submitter. Criteria: Ambry Variant Classification Scheme 2023. Collection method: clinical testing. Allele origin: germline.
Comment: The p.V187A variant (also known as c.560T>C), located in coding exon 4 of the ANKRD26 gene, results from a T to C substitution at nucleotide position 560. The valine at codon 187 is replaced by alanine, an amino acid with similar properties. This amino acid position is conserved. In addition, this alteration is predicted to be tolerated by in silico analysis. Based on the available evidence, the clinical significance of this variant remains unclear.

Labcorp Genetics (formerly Invitae), Labcorp
Classification: Uncertain significance. Last evaluated: 2024-10-04. Review status: criteria provided, single submitter. Criteria: Invitae Variant Classification Sherloc (09022015). Collection method: clinical testing. Allele origin: germline.
Comment: This sequence change replaces valine, which is neutral and non-polar, with alanine, which is neutral and non-polar, at codon 187 of the ANKRD26 protein (p.Val187Ala). This variant is present in population databases (rs751754401, gnomAD 0.003%). This variant has not been reported in the literature in individuals affected with ANKRD26-related conditions. An algorithm developed to predict the effect of missense changes on protein structure and function (PolyPhen-2) suggests that this variant is likely to be tolerated. In summary, the available evidence is currently insufficient to determine the role of this variant in disease. Therefore, it has been classified as a Variant of Uncertain Significance.